The following is an entry in ClinVar:

NM_021008.4(DEAF1):c.221G>A (p.Gly74Glu)

Gene: DEAF1 (DEAF1 transcription factor; minus strand). Cytogenetic location: 11p15.5.
Variant type: single nucleotide variant.
Coding change: c.221G>A on transcript NM_021008.4 (MANE Select); coding-DNA position 221, G replaced by A.
Protein change: p.Gly74Glu; replaces glycine 74 with glutamic acid.
Molecular consequence: missense variant. On other transcripts: intron variant (1).
Genome position (GRCh38, 1-based): chr11:694,827, C>T on the plus strand (G>A on the coding strand, the complement: DEAF1 is on the minus strand). VCF-style: chr11-694827-C-T. GRCh37 (hg19) VCF-style: chr11-694827-C-T.
Other names: c.221G>A, p.Gly74Glu (NM_001293634.2); c.-437-3229G>A (NM_001367390.1); short protein forms G74E.
Identifiers: ClinVar variation 1675439 (VCV001675439.39), dbSNP rs748707692, ClinGen allele CA5786625.

ClinVar aggregate classification (germline): Uncertain significance. Review status: criteria provided, multiple submitters, no conflicts (2 of 4 stars). 3 submissions from 3 submitters: Uncertain significance (3). Last evaluated 2023-08-10.

Allele frequency attached by ClinVar (database versions not stated): gnomAD exomes 0.00002; ExAC 0.00008.
gnomAD v4.1: 36 of 1,455,032 alleles (0.0025%); highest among the groups gnomAD compares: Non-Finnish European, 0.0023%; no homozygotes.

Submissions (3):

Labcorp Genetics (formerly Invitae), Labcorp
Classification: Uncertain significance. Last evaluated: 2023-08-10. Review status: criteria provided, single submitter. Criteria: Invitae Variant Classification Sherloc (09022015). Collection method: clinical testing. Allele origin: germline.
Comment: In summary, the available evidence is currently insufficient to determine the role of this variant in disease. Therefore, it has been classified as a Variant of Uncertain Significance. This variant has not been reported in the literature in individuals affected with DEAF1-related conditions. ClinVar contains an entry for this variant (Variation ID: 1675439). Advanced modeling of protein sequence and biophysical properties (such as structural, functional, and spatial information, amino acid conservation, physicochemical variation, residue mobility, and thermodynamic stability) performed at Invitae indicates that this missense variant is not expected to disrupt DEAF1 protein function. This variant is present in population databases (rs748707692, gnomAD 0.02%). This sequence change replaces glycine, which is neutral and non-polar, with glutamic acid, which is acidic and polar, at codon 74 of the DEAF1 protein (p.Gly74Glu).

CeGaT Center for Human Genetics Tuebingen
Classification: Uncertain significance. Last evaluated: 2022-03-01. Review status: criteria provided, single submitter. Criteria: CeGaT Center For Human Genetics Tuebingen Variant Classification Criteria Version 2. Collection method: clinical testing. Allele origin: germline. Affected: yes. Observed: 1 variant allele.

Revvity Omics, Revvity
Classification: Uncertain significance. Last evaluated: 2021-08-23. Review status: criteria provided, single submitter. Criteria: ACMG Guidelines, 2015. Collection method: clinical testing. Allele origin: germline.